The following is an entry in ClinVar:

ClinVar aggregate classification (germline): Likely pathogenic (1 of 4 stars; one submission).

Submission:

Genetics Laboratory, UDIAT-Centre Diagnòstic, Hospital Universitari Parc Tauli
Classification: Likely pathogenic. Last evaluated: 2021-04-26. Review status: criteria provided, single submitter. Criteria: Parc Tauli Hospital Assertion Criteria 2021. Collection method: clinical testing. Allele origin: unknown. Inheritance: Autosomal dominant inheritance. Affected: yes. Observed: 1 heterozygote.
Comment: PVS1_very strong;PM2_supporting

NM_001379403.1(WDR26):c.1163-1G>A

Gene: WDR26 (WD repeat domain 26; minus strand). Cytogenetic location: 1q42.12.
Variant type: single nucleotide variant.
Coding change: c.1163-1G>A on transcript NM_001379403.1 (MANE Select); the canonical splice acceptor site of the intron before coding-DNA position 1163, G replaced by A.
Molecular consequence: splice acceptor variant.
Genome position (GRCh38, 1-based): chr1:224,418,417, C>T on the plus strand (G>A on the coding strand, the complement: WDR26 is on the minus strand). VCF-style: chr1-224418417-C-T. GRCh37 (hg19) VCF-style: chr1-224606119-C-T.
Other names: c.815-1G>A (NM_001115113.3); c.863-1G>A (NM_025160.7).
Identifiers: ClinVar variation 1098383 (VCV001098383.2), dbSNP rs2102912948, ClinGen allele CA344750131.
Genomic context (GRCh38, chr1:224,418,417, plus strand): 5'-CCTGCCGCAGGAGAGTCTGTAAACGCCGTGGGGGAAGCATCACTGATGGTGGTAAATAGG[C>T]TTTAATAGAAGATATTTTAAAAAAGAGAAATAATAATAAACTGTAAACTTTTATTTAAGA-3'